The following is an entry in ClinVar:

ClinVar aggregate classification (germline): Uncertain significance (1 of 4 stars; one submission).

Conditions:
Oligodontia-cancer predisposition syndrome. Also called: TOOTH AGENESIS-COLORECTAL CANCER SYNDROME. Identifiers: Orphanet 300576, MedGen C1837750, MONDO:0012075, OMIM 608615. Disease mechanism: loss of function.

Submission:

Labcorp Genetics (formerly Invitae), Labcorp
Classification: Uncertain significance for Oligodontia-cancer predisposition syndrome. Last evaluated: 2023-01-13. Review status: criteria provided, single submitter. Criteria: Invitae Variant Classification Sherloc (09022015). Collection method: clinical testing. Allele origin: germline.
Comment: Studies have shown that disruption of this splice site results in skipping of exon 7, but is expected to preserve the integrity of the reading-frame (Invitae). Tissue-specific alternative splicing of AXIN2 gene results in functional isoform lacking in-frame exon 7, also known as exon 6 (PMID: 15735151). For this reason the clinical significance of loss of exon 7 is currently uncertain. In summary, the available evidence is currently insufficient to determine the role of this variant in disease. Therefore, it has been classified as a Variant of Uncertain Significance. Advanced modeling of protein sequence and biophysical properties (such as structural, functional, and spatial information, amino acid conservation, physicochemical variation, residue mobility, and thermodynamic stability) performed at Invitae indicates that this missense variant is not expected to disrupt AXIN2 protein function. This variant has not been reported in the literature in individuals affected with AXIN2-related conditions. This variant is not present in population databases (gnomAD no frequency). This sequence change replaces glutamic acid, which is acidic and polar, with glycine, which is neutral and non-polar, at codon 611 of the AXIN2 protein (p.Glu611Gly).

Literature cited by the submitters: PubMed 15735151.

NM_004655.4(AXIN2):c.1832A>G (p.Glu611Gly)

Gene: AXIN2 (axin 2; minus strand). Cytogenetic location: 17q24.1.
Variant type: single nucleotide variant.
Coding change: c.1832A>G on transcript NM_004655.4 (MANE Select); coding-DNA position 1832, A replaced by G.
Protein change: p.Glu611Gly; replaces glutamic acid 611 with glycine.
Molecular consequence: missense variant. On other transcripts: intron variant (1).
Genome position (GRCh38, 1-based): chr17:65,536,944, T>C on the plus strand (A>G on the coding strand, the complement: AXIN2 is on the minus strand). VCF-style: chr17-65536944-T-C. GRCh37 (hg19) VCF-style: chr17-63533062-T-C.
Other names: c.1712+380A>G (NM_001363813.1); short protein forms E611G.
Identifiers: ClinVar variation 3015848 (VCV003015848.3), dbSNP rs2509407455, ClinGen allele CA400676540.